The following is an entry in ClinVar:

NM_001267550.2(TTN):c.58503del (p.Ser19500_Trp19501insTer)

Genes: TTN-AS1 (TTN antisense RNA 1; plus strand), TTN (titin; minus strand). Cytogenetic location: 2q31.2.
Variant type: Deletion.
Coding change: c.58503del on transcript NM_001267550.2 (MANE Select); coding-DNA position 58503, one base deleted (G; older notation c.58503delG).
Protein change: p.Ser19500_Trp19501insTer.
Molecular consequence: nonsense.
Genome position (GRCh38, 1-based): chr2:178,593,797, C deleted on the plus strand (G on the coding strand, the reverse complement: TTN is on the minus strand); the first of 2 consecutive C bases (chr2:178,593,797-178,593,798); deleting either gives the same sequence. VCF-style (leftmost placement, unchanged base first): chr2-178593796-TC-T. GRCh37 (hg19) VCF-style: chr2-179458523-TC-T.
Other names: c.53580del, p.Ser17859_Trp17860insTer (NM_001256850.1); c.31308del, p.Ser10435_Trp10436insTer (NM_003319.4); c.50799del, p.Ser16932_Trp16933insTer (NM_133378.4); c.31683del, p.Ser10560_Trp10561insTer (NM_133432.3); c.31884del, p.Ser10627_Trp10628insTer (NM_133437.4).
Identifiers: ClinVar variation 4784624 (VCV004784624.1).

ClinVar aggregate classification (germline): Likely pathogenic (1 of 4 stars; one submission).

Conditions:
Dilated cardiomyopathy 1G (CMD1G). Identifiers: Orphanet 154, MedGen C1858763, MONDO:0011400, OMIM 604145.
Autosomal recessive limb-girdle muscular dystrophy type 2J (LGMDR10). Also called: Limb-girdle muscular dystrophy, type 2J; MUSCULAR DYSTROPHY, LIMB-GIRDLE, AUTOSOMAL RECESSIVE 10. Identifiers: Orphanet 140922, MedGen C1837342, MONDO:0012127, OMIM 608807.

Submission:

Labcorp Genetics (formerly Invitae), Labcorp
Classification: Likely pathogenic for Dilated cardiomyopathy 1G; Autosomal recessive limb-girdle muscular dystrophy type 2J. Last evaluated: 2025-09-05. Review status: criteria provided, single submitter. Criteria: Invitae Variant Classification Sherloc (09022015). Collection method: clinical testing. Allele origin: germline.
Comment: This sequence change creates a premature translational stop signal (p.Trp19501*) in the TTN gene. While this is not anticipated to result in nonsense mediated decay, it is expected to create a truncated TTN protein. This variant is not present in population databases (gnomAD no frequency). This variant has not been reported in the literature in individuals affected with TTN-related conditions. This variant is located in the A band of TTN (PMID: 25589632). Truncating variants in this region are significantly overrepresented in patients affected with dilated cardiomyopathy (PMID: 25589632). Truncating variants in this region have also been reported in individuals affected with autosomal recessive centronuclear myopathy (PMID: 23975875). In summary, the currently available evidence indicates that the variant is pathogenic, but additional data are needed to prove that conclusively. Therefore, this variant has been classified as Likely Pathogenic.

Literature cited by the submitters: PubMed 25589632; PubMed 23975875.